The following is an entry in ClinVar:

ClinVar aggregate classification (germline): Likely benign. Review status: criteria provided, multiple submitters, no conflicts (2 of 4 stars). 2 submissions from 2 submitters: Likely benign (2). Last evaluated 2025-12-14.

Conditions:
USP53-related disorder. Also called: USP53-related condition.

gnomAD v4.1: 89 of 1,610,574 alleles (0.0055%); highest among the groups gnomAD compares: South Asian, 0.037%; no homozygotes.

Submissions (2):

PreventionGenetics, part of Exact Sciences
Classification: Likely benign for USP53-related condition. Last evaluated: 2025-12-14. Review status: criteria provided, single submitter. Criteria: ACMG Guidelines, 2015. Collection method: clinical testing. Allele origin: germline.
Comment: This variant is classified as likely benign based on ACMG/AMP sequence variant interpretation guidelines (Richards et al. 2015 PMID: 25741868, with internal and published modifications).

Labcorp Genetics (formerly Invitae), Labcorp
Classification: Likely benign. Last evaluated: 2025-03-29. Review status: criteria provided, single submitter. Criteria: Invitae Variant Classification Sherloc (09022015). Collection method: clinical testing. Allele origin: germline.

NM_001371395.1(USP53):c.2820C>T (p.Ser940=)

Gene: USP53 (ubiquitin specific peptidase 53; plus strand). Cytogenetic location: 4q26.
Variant type: single nucleotide variant.
Coding change: c.2820C>T on transcript NM_001371395.1 (MANE Select); coding-DNA position 2820, C replaced by T.
Protein change: p.Ser940=; no amino-acid change (serine 940 retained).
Molecular consequence: synonymous variant. On other transcripts: 3 prime UTR variant (4).
Genome position (GRCh38, 1-based): chr4:119,292,809, C>T. VCF-style: chr4-119292809-C-T. GRCh37 (hg19) VCF-style: chr4-120213964-C-T.
Other names: c.2820C>T (NM_019050.2); c.2820C>T, p.Ser940= (NM_001371399.1, NM_001389658.1, NM_001389659.1 and 1 more transcripts); c.2670C>T, p.Ser890= (NM_001389660.1); c.2667C>T, p.Ser889= (NM_001389661.1, NM_001371396.1); c.2472C>T, p.Ser824= (NM_001389662.1, NM_001389663.1, NM_001389664.1); c.2319C>T, p.Ser773= (NM_001389665.1); c.*320C>T (NM_001389666.1, NM_001389667.1, NM_001371397.1 and 1 more transcripts).
Identifiers: ClinVar variation 4765937 (VCV004765937.2).